The following is an entry in ClinVar:

NM_001042492.3(NF1):c.4200C>T (p.Asn1400=)

Gene: NF1 (neurofibromin 1; plus strand). Cytogenetic location: 17q11.2.
Variant type: single nucleotide variant.
Coding change: c.4200C>T on transcript NM_001042492.3 (MANE Select); coding-DNA position 4200, C replaced by T.
Protein change: p.Asn1400=; no amino-acid change (asparagine 1400 retained).
Molecular consequence: synonymous variant.
Genome position (GRCh38, 1-based): chr17:31,258,370, C>T. VCF-style: chr17-31258370-C-T. GRCh37 (hg19) VCF-style: chr17-29585388-C-T.
Other names: c.4137C>T, p.Asn1379= (NM_000267.4).
Identifiers: ClinVar variation 1107042 (VCV001107042.14), dbSNP rs2151461842, ClinGen allele CA499233405.
Genomic context (GRCh38, chr17:31,258,370, plus strand): 5'-ACCTTATACTCAATTCTCAACTCCTTGTTTTTAGGTGGTTAGCCAGCGTTTCCCTCAGAA[C>T]AGCATCGGTGCAGTAGGAAGTGCCATGTTCCTCAGATTTATCAATCCTGCCATTGTCTCA-3'
Protein context (NP_001035957.1, residues 1390-1410): KSVVSQRFPQ[Asn1400=]SIGAVGSAMF

ClinVar aggregate classification (germline): Conflicting classifications of pathogenicity. Review status: criteria provided, conflicting classifications (1 of 4 stars). 4 submissions from 4 submitters: Uncertain significance (1); Benign (1); Likely benign (2). Last evaluated 2026-05-19.

Conditions:
Cardiovascular phenotype. Identifiers: MedGen CN230736.
Hereditary cancer-predisposing syndrome. Also called: Neoplastic Syndromes, Hereditary; Tumor predisposition; Hereditary Cancer Syndrome; Hereditary neoplastic syndrome. Identifiers: Orphanet 140162, MedGen C0027672, MeSH D009386, MONDO:0015356.
Neurofibromatosis, type 1 (NF1). Also called: Peripheral type neurofibromatosis; NEUROFIBROMATOSIS, TYPE I, SOMATIC; VON RECKLINGHAUSEN DISEASE; Neurofibromatosis, type I. Identifiers: Orphanet 636, MedGen C0027831, MONDO:0018975, OMIM 162200. Disease mechanism: loss of function.

gnomAD v4.1: 17 of 1,613,918 alleles (0.0011%); highest among the groups gnomAD compares: Non-Finnish European, 0.0014%; no homozygotes.

Submissions (4):

Myriad Genetics, Inc.
Classification: Benign for Neurofibromatosis, type 1. Last evaluated: 2026-05-19. Review status: criteria provided, single submitter. Criteria: Myriad Autosomal Dominant, Autosomal Recessive and X-Linked Classification Criteria (2023). Collection method: clinical testing. Allele origin: unknown.
Comment: This variant is considered benign. This variant is a silent/synonymous amino acid change and it is not expected to impact splicing.

Labcorp Genetics (formerly Invitae), Labcorp
Classification: Likely benign for Neurofibromatosis, type 1. Last evaluated: 2025-04-17. Review status: criteria provided, single submitter. Criteria: Invitae Variant Classification Sherloc (09022015). Collection method: clinical testing. Allele origin: germline.

GeneDx
Classification: Uncertain significance. Last evaluated: 2023-01-26. Review status: criteria provided, single submitter. Criteria: GeneDx Variant Classification Process June 2021. Collection method: clinical testing. Allele origin: germline. Affected: yes.
Comment: Not observed at significant frequency in large population cohorts (gnomAD); In silico analysis supports that this variant does not alter splicing; Has not been previously published as pathogenic or benign to our knowledge

Ambry Genetics
Classification: Likely benign for Cardiovascular phenotype; Hereditary cancer-predisposing syndrome. Last evaluated: 2019-12-30. Review status: criteria provided, single submitter. Criteria: Ambry Variant Classification Scheme 2023. Collection method: clinical testing. Allele origin: germline.